The following is an entry in ClinVar:

NM_001368067.1(LDB3):c.382A>C (p.Lys128Gln)

Genes: LDB3 (LIM domain binding 3; plus strand), LOC110121486 (VISTA enhancer hs2143; plus strand). Cytogenetic location: 10q23.2.
Variant type: single nucleotide variant.
Coding change: c.382A>C on transcript NM_001368067.1 (MANE Plus Clinical); coding-DNA position 382, A replaced by C.
Protein change: p.Lys128Gln; replaces lysine 128 with glutamine.
Molecular consequence: missense variant. On other transcripts: intron variant (5).
Genome position (GRCh38, 1-based): chr10:86,687,106, A>C. VCF-style: chr10-86687106-A-C. GRCh37 (hg19) VCF-style: chr10-88446863-A-C.
Other names: c.382A>C, p.Lys128Gln (NM_001080114.2, NM_001080116.1, NM_001368066.1 and 1 more transcripts); c.727A>C, p.Lys243Gln (NM_001171610.2, NM_001171611.2); c.690-4790A>C (NM_001368064.1, NM_001368063.1, NM_007078.3 and 2 more transcripts); short protein forms K243Q, K128Q.
Identifiers: ClinVar variation 1471036 (VCV001471036.8), dbSNP rs2132396809, ClinGen allele CA377441443.

ClinVar aggregate classification (germline): Uncertain significance (1 of 4 stars; one submission).

Conditions:
Myofibrillar myopathy 4. Also called: Zaspopathy (type). Identifiers: Orphanet 98912, MedGen C4721886, MONDO:0012277, OMIM 609452.

Submission:

Labcorp Genetics (formerly Invitae), Labcorp
Classification: Uncertain significance for Myofibrillar myopathy 4. Last evaluated: 2020-11-03. Review status: criteria provided, single submitter. Criteria: Invitae Variant Classification Sherloc (09022015). Collection method: clinical testing. Allele origin: germline.
Comment: This sequence change replaces lysine with glutamine at codon 128 of the LDB3 protein (p.Lys128Gln). The lysine residue is weakly conserved and there is a small physicochemical difference between lysine and glutamine. This variant is not present in population databases (ExAC no frequency). This variant has not been reported in the literature in individuals with LDB3-related conditions. Algorithms developed to predict the effect of missense changes on protein structure and function (SIFT, PolyPhen-2, Align-GVGD) all suggest that this variant is likely to be tolerated, but these predictions have not been confirmed by published functional studies and their clinical significance is uncertain. In summary, the available evidence is currently insufficient to determine the role of this variant in disease. Therefore, it has been classified as a Variant of Uncertain Significance.